The following is an entry in ClinVar:

ClinVar aggregate classification (germline): Uncertain significance (1 of 4 stars; one submission).

Conditions:
Kleefstra syndrome 1 (KLEFS1). Identifiers: Orphanet 261494, MedGen C0795833, MONDO:0027407, OMIM 610253.

Submission:

Labcorp Genetics (formerly Invitae), Labcorp
Classification: Uncertain significance for Kleefstra syndrome 1. Last evaluated: 2025-02-12. Review status: criteria provided, single submitter. Criteria: Invitae Variant Classification Sherloc (09022015). Collection method: clinical testing. Allele origin: germline.
Comment: This sequence change replaces asparagine, which is neutral and polar, with lysine, which is basic and polar, at codon 950 of the EHMT1 protein (p.Asn950Lys). This variant is not present in population databases (gnomAD no frequency). This variant has not been reported in the literature in individuals affected with EHMT1-related conditions. Invitae Evidence Modeling of protein sequence and biophysical properties (such as structural, functional, and spatial information, amino acid conservation, physicochemical variation, residue mobility, and thermodynamic stability) indicates that this missense variant is not expected to disrupt EHMT1 protein function with a negative predictive value of 80%. In summary, the available evidence is currently insufficient to determine the role of this variant in disease. Therefore, it has been classified as a Variant of Uncertain Significance.

NM_024757.5(EHMT1):c.2850C>A (p.Asn950Lys)

Gene: EHMT1 (euchromatic histone lysine methyltransferase 1; plus strand). Cytogenetic location: 9q34.3.
Variant type: single nucleotide variant.
Coding change: c.2850C>A on transcript NM_024757.5 (MANE Select); coding-DNA position 2850, C replaced by A.
Protein change: p.Asn950Lys; replaces asparagine 950 with lysine.
Molecular consequence: missense variant.
Genome position (GRCh38, 1-based): chr9:137,811,598, C>A. VCF-style: chr9-137811598-C-A. GRCh37 (hg19) VCF-style: chr9-140706050-C-A.
Other names: c.2829C>A, p.Asn943Lys (NM_001354263.2); short protein forms N943K, N950K.
Identifiers: ClinVar variation 4744336 (VCV004744336.1).
Genomic context (GRCh38, chr9:137,811,598, plus strand): 5'-CGACCTCCACGCCGTGAACATCCACGGAGACTCGCCACTGCACATTGCCGCCCGGGAGAA[C>A]CGCTACGACTGTGTCGTGTGAGTGCAGTGCTTCCCCCAGCGCGGGCTGGCGCTGACCTGA-3'
Protein context (NP_079033.4, residues 940-960): DSPLHIAARE[Asn950Lys]RYDCVVLFLS